The following is an entry in ClinVar:

NC_000016.9:g.(?_77317853)_(77323328_?)del

Gene: ADAMTS18 (ADAM metallopeptidase with thrombospondin type 1 motif 18; minus strand). Cytogenetic location: 16q23.1.
Variant type: Deletion.
Identifiers: ClinVar variation 2427672 (VCV002427672.4).

ClinVar aggregate classification (germline): Uncertain significance (1 of 4 stars; one submission).

Submission:

Labcorp Genetics (formerly Invitae), Labcorp
Classification: Uncertain significance. Last evaluated: 2022-07-14. Review status: criteria provided, single submitter. Criteria: Invitae Variant Classification Sherloc (09022015). Collection method: clinical testing. Allele origin: germline.
Comment: In summary, the available evidence is currently insufficient to determine the role of this variant in disease. Therefore, it has been classified as a Variant of Uncertain Significance. This variant has not been reported in the literature in individuals affected with ADAMTS18-related conditions. This variant is a gross deletion of the genomic region encompassing exon(s) 22-23 of the ADAMTS18 gene, which includes the termination codon. This deletion extends beyond the assayed region for this gene and therefore may encompass additional genes. While this deletion is not anticipated to lead to nonsense mediated decay, it is expected to alter mRNA translation or result in a truncated protein product.